The following is an entry in ClinVar:

ClinVar aggregate classification (germline): Uncertain significance (1 of 4 stars; one submission).

Conditions:
Inborn genetic diseases. Identifiers: MedGen C0950123, MeSH D030342.

Allele frequency attached by ClinVar (database versions not stated): gnomAD exomes below 0.00001.
gnomAD v4.1: 1 of 1,612,188 alleles (0.000062%); highest among the groups gnomAD compares: Non-Finnish European, 0.000085%; no homozygotes.

Submission:

Ambry Genetics
Classification: Uncertain significance for Inborn genetic diseases. Last evaluated: 2021-08-16. Review status: criteria provided, single submitter. Criteria: Ambry Variant Classification Scheme 2023. Collection method: clinical testing. Allele origin: germline.
Comment: The p.M468V variant (also known as c.1402A>G) is located in coding exon 11 of the OPTN gene. The methionine at codon 468 is replaced by valine, an amino acid with highly similar properties. This change occurs in the first base pair of coding exon 11. This amino acid position is conserved. In addition, the in silico prediction for this alteration is inconclusive. Since supporting evidence is limited at this time, the clinical significance of this alteration remains unclear.

NM_001008212.2(OPTN):c.1402A>G (p.Met468Val)

Gene: OPTN (optineurin; plus strand). Cytogenetic location: 10p13.
Variant type: single nucleotide variant.
Coding change: c.1402A>G on transcript NM_001008212.2 (MANE Select); coding-DNA position 1402, A replaced by G.
Protein change: p.Met468Val; replaces methionine 468 with valine.
Molecular consequence: missense variant.
Genome position (GRCh38, 1-based): chr10:13,132,067, A>G. VCF-style: chr10-13132067-A-G. GRCh37 (hg19) VCF-style: chr10-13174067-A-G.
Other names: c.1402A>G, p.Met468Val (NM_001008211.1, NM_001008213.1, NM_021980.4); short protein forms M468V.
Identifiers: ClinVar variation 1771832 (VCV001771832.2), dbSNP rs2539078138, ClinGen allele CA376030145.
Genomic context (GRCh38, chr10:13,132,067, plus strand): 5'-CACTGTAAGAATCTGCATTCATCTAGGTACTAACTTCTGTATCTTTTTTTCCTCTAACAG[A>G]TGGAAGTTTACTGTTCTGATTTTCATGCTGAAAGAGCAGCGAGAGAGAAAATTCATGAGG-3'
Protein context (NP_001008213.1, residues 458-478): LETMTILRAQ[Met468Val]EVYCSDFHAE